The following is an entry in ClinVar:

NM_000090.4(COL3A1):c.382C>G (p.Gln128Glu)

Gene: COL3A1 (collagen type III alpha 1 chain; plus strand). Cytogenetic location: 2q32.2.
Variant type: single nucleotide variant.
Coding change: c.382C>G on transcript NM_000090.4 (MANE Select); coding-DNA position 382, C replaced by G.
Protein change: p.Gln128Glu; replaces glutamine 128 with glutamic acid.
Molecular consequence: missense variant.
Genome position (GRCh38, 1-based): chr2:188,985,713, C>G. VCF-style: chr2-188985713-C-G. GRCh37 (hg19) VCF-style: chr2-189850439-C-G.
Other names: short protein forms Q128E.
Identifiers: ClinVar variation 4835178 (VCV004835178.1).

ClinVar aggregate classification (germline): Uncertain significance (1 of 4 stars; one submission).

Conditions:
Familial thoracic aortic aneurysm and aortic dissection (TAAD). Also called: Thoracic aortic aneurysms and dissections. Identifiers: Orphanet 91387, MedGen C4707243, MONDO:0019625.

Submission:

Ambry Genetics
Classification: Uncertain significance for Familial thoracic aortic aneurysm and aortic dissection. Last evaluated: 2026-02-19. Review status: criteria provided, single submitter. Criteria: Ambry Variant Classification Scheme 2023. Collection method: clinical testing. Allele origin: germline.
Comment: The p.Q128E variant (also known as c.382C>G), located in coding exon 4 of the COL3A1 gene, results from a C to G substitution at nucleotide position 382. The glutamine at codon 128 is replaced by glutamic acid, an amino acid with highly similar properties. This amino acid position is conserved. In addition, this alteration is predicted to be tolerated by in silico analysis. Based on the available evidence, the clinical significance of this variant remains unclear.